The following is an entry in ClinVar:

NM_031407.7(HUWE1):c.1307T>C (p.Val436Ala)

Gene: HUWE1 (HECT, UBA and WWE domain containing E3 ubiquitin protein ligase 1; minus strand). Cytogenetic location: Xp11.22.
Variant type: single nucleotide variant.
Coding change: c.1307T>C on transcript NM_031407.7 (MANE Select); coding-DNA position 1307, T replaced by C.
Protein change: p.Val436Ala; replaces valine 436 with alanine.
Molecular consequence: missense variant.
Genome position (GRCh38, 1-based): chrX:53,627,815, A>G on the plus strand (T>C on the coding strand, the complement: HUWE1 is on the minus strand). VCF-style: chrX-53627815-A-G. GRCh37 (hg19) VCF-style: chrX-53654766-A-G.
Other names: c.1307T>C (NM_031407.4); short protein forms V436A.
Identifiers: ClinVar variation 3622202 (VCV003622202.3).
Genomic context (GRCh38, chrX:53,627,815, plus strand): 5'-AAGATAGAAAGTCCACTATGGGATTGAAAAGCTGCCATATCCAGGTTGGTGATAAGGTCA[A>G]CCACTCTGACGGCTCTGGTGACAAATGTTATCTGGTCCTGTTCATCGCCAAGAAACTTTA-3'
Protein context (NP_113584.3, residues 426-446): ITFVTRAVRV[Val436Ala]DLITNLDMAA

ClinVar aggregate classification (germline): Uncertain significance. Review status: criteria provided, multiple submitters, no conflicts (2 of 4 stars). 2 submissions from 2 submitters: Uncertain significance (2). Last evaluated 2026-02-17.

Conditions:
Inborn genetic diseases. Identifiers: MedGen C0950123, MeSH D030342.

gnomAD v4.1: 3 of 1,205,314 alleles (0.00025%); highest among the groups gnomAD compares: African/African-American, 0.0017%; no homozygotes.

Submissions (2):

Ambry Genetics
Classification: Uncertain significance for Inborn genetic diseases. Last evaluated: 2026-02-17. Review status: criteria provided, single submitter. Criteria: Ambry Variant Classification Scheme 2023. Collection method: clinical testing. Allele origin: germline.
Comment: The c.1307T>C (p.V436A) alteration is located in exon 16 (coding exon 13) of the HUWE1 gene. This alteration results from a T to C substitution at nucleotide position 1307, causing the valine (V) at amino acid position 436 to be replaced by an alanine (A). Based on data from gnomAD, the C allele has an overall frequency of <0.001% (1/183200) total alleles studied. The highest observed frequency was 0.008% (1/13155) of African alleles. Based on insufficient or conflicting evidence, the clinical significance of this alteration remains unclear.

Labcorp Genetics (formerly Invitae), Labcorp
Classification: Uncertain significance. Last evaluated: 2025-04-24. Review status: criteria provided, single submitter. Criteria: Invitae Variant Classification Sherloc (09022015). Collection method: clinical testing. Allele origin: germline.
Comment: This sequence change replaces valine, which is neutral and non-polar, with alanine, which is neutral and non-polar, at codon 436 of the HUWE1 protein (p.Val436Ala). This variant is present in population databases (no rsID available, gnomAD 0.008%), including at least one homozygous and/or hemizygous individual. This variant has not been reported in the literature in individuals affected with HUWE1-related conditions. ClinVar contains an entry for this variant (Variation ID: 3622202). Invitae Evidence Modeling of protein sequence and biophysical properties (such as structural, functional, and spatial information, amino acid conservation, physicochemical variation, residue mobility, and thermodynamic stability) indicates that this missense variant is expected to disrupt HUWE1 protein function with a positive predictive value of 80%. In summary, the available evidence is currently insufficient to determine the role of this variant in disease. Therefore, it has been classified as a Variant of Uncertain Significance.